The following is an entry in ClinVar:

ClinVar aggregate classification (germline): Uncertain significance (1 of 4 stars; one submission).

Submission:

GeneDx
Classification: Uncertain significance. Last evaluated: 2023-01-17. Review status: criteria provided, single submitter. Criteria: GeneDx Variant Classification Process June 2021. Collection method: clinical testing. Allele origin: germline. Affected: yes.
Comment: Not observed at significant frequency in large population cohorts (gnomAD); In silico analysis supports that this missense variant has a deleterious effect on protein structure/function; Has not been previously published as pathogenic or benign to our knowledge

NM_001330078.2(NRXN1):c.2247G>C (p.Gln749His)

Gene: NRXN1 (neurexin 1; minus strand). Cytogenetic location: 2p16.3.
Variant type: single nucleotide variant.
Coding change: c.2247G>C on transcript NM_001330078.2 (MANE Select); coding-DNA position 2247, G replaced by C.
Protein change: p.Gln749His; replaces glutamine 749 with histidine.
Molecular consequence: missense variant.
Genome position (GRCh38, 1-based): chr2:50,531,327, C>G on the plus strand (G>C on the coding strand, the complement: NRXN1 is on the minus strand). VCF-style: chr2-50531327-C-G. GRCh37 (hg19) VCF-style: chr2-50758465-C-G.
Other names: c.2367G>C, p.Gln789His (NM_001135659.3); c.2223G>C, p.Gln741His (NM_001330077.2, NM_001330082.2, NM_001330095.2); c.2208G>C, p.Gln736His (NM_001330083.2, NM_001330084.2); c.2247G>C, p.Gln749His (NM_001330085.2, NM_001330086.2, NM_004801.6); c.2163G>C, p.Gln721His (NM_001330087.2, NM_001330096.2); c.2193G>C, p.Gln731His (NM_001330088.2); c.2244G>C, p.Gln748His (NM_001330093.2); c.2235G>C, p.Gln745His (NM_001330094.2); short protein forms Q721H, Q731H, Q736H, Q741H, Q745H, Q748H, Q749H, Q789H.
Identifiers: ClinVar variation 2572918 (VCV002572918.1), dbSNP rs1057521319, ClinGen allele CA346769602.
Genomic context (GRCh38, chr2:50,531,327, plus strand): 5'-CAGGCGGAGGGTGTCAGCAGAGTCTCTAGAAGTGGTTGCCATCAGAATGCCATATGCACG[C>G]TGGGATCGGAACCGTAAGGAAACATCCTCAGCCTCCGTATGCATGACTACGGGGAGCTGA-3'
Protein context (NP_001317007.1, residues 739-759): AEDVSLRFRS[Gln749His]RAYGILMATT